The following is an entry in ClinVar:

ClinVar aggregate classification (germline): Benign (1 of 4 stars; one submission).

Allele frequency attached by ClinVar (database versions not stated): gnomAD 0.63460 and 0.64385; TOPMed 0.66713; 1000 Genomes Project 30x 0.77608; 1000 Genomes Project 0.78075.
gnomAD v4.1: 97,646 of 152,050 alleles (64%); highest among the groups gnomAD compares: East Asian, 91%; 32,932 homozygotes.

Submission:

GeneDx
Classification: Benign. Last evaluated: 2018-06-14. Review status: criteria provided, single submitter. Criteria: GeneDx Variant Classification (06012015). Collection method: clinical testing. Allele origin: germline. Affected: yes.
Comment: This variant is considered likely benign or benign based on one or more of the following criteria: it is a conservative change, it occurs at a poorly conserved position in the protein, it is predicted to be benign by multiple in silico algorithms, and/or has population frequency not consistent with disease.

NM_000218.3(KCNQ1):c.922-228A>G

Gene: KCNQ1 (potassium voltage-gated channel subfamily Q member 1; plus strand). Cytogenetic location: 11p15.5.
Variant type: single nucleotide variant.
Coding change: c.922-228A>G on transcript NM_000218.3 (MANE Select); 228 bases into the intron before coding-DNA position 922, A replaced by G.
Molecular consequence: intron variant.
Genome position (GRCh38, 1-based): chr11:2,583,207, A>G. VCF-style: chr11-2583207-A-G. GRCh37 (hg19) VCF-style: chr11-2604437-A-G.
Other names: c.652-228A>G (NM_001406837.1); c.922-228A>G (NM_001406836.1); c.478-228A>G (NM_001406838.1); c.541-228A>G (NM_181798.2).
Identifiers: ClinVar variation 678112 (VCV000678112.3), dbSNP rs2012323, ClinGen allele CA13370363.
Genomic context (GRCh38, chr11:2,583,207, plus strand): 5'-AGCTCCCAGGCCCACGTTCCCAGCCAGCAGGCCTGGCCCTTCGTGGGTGCTGGGCTCCTT[A>G]CATGTGCTGGTGGGACATACCTTGTGTGTGACGCCGAGAGCCTGGGAGACATGTGCCATC-3'